The following is an entry in ClinVar:

ClinVar aggregate classification (germline): Uncertain significance. Review status: criteria provided, multiple submitters, no conflicts (2 of 4 stars). 5 submissions from 5 submitters: Uncertain significance (3). 2 of the submissions do not count toward it. Last evaluated 2023-01-01.

Conditions:
Retinal dystrophy. Also called: Inherited retinal dystrophy. Identifiers: Orphanet 71862, MedGen C0854723, MeSH D058499, MONDO:0019118, HP:0000556.
Achromatopsia. Also called: Rod monochromatism. Identifiers: Orphanet 49382, MedGen C0152200, MONDO:0018852, HP:0011516.
Achromatopsia 3 (ACHM3). Also called: ACHROMATOPSIA WITH MYOPIA; PINGELAPESE BLINDNESS; TOTAL COLORBLINDNESS WITH MYOPIA; ROD MONOCHROMACY 1; ROD MONOCHROMATISM 1. Identifiers: Orphanet 49382, MedGen C1849792, MONDO:0009875, OMIM 262300.

Allele frequency attached by ClinVar (database versions not stated): ExAC 0.00002; gnomAD 0.00003 and 0.00004; gnomAD exomes 0.00004; TOPMed 0.00004.
gnomAD v4.1: 41 of 1,613,218 alleles (0.0025%); highest among the groups gnomAD compares: South Asian, 0.0055%; no homozygotes.

Submissions (5):

Institute of Human Genetics, Univ. Regensburg, Univ. Regensburg
Classification: Uncertain significance for Retinal dystrophy. Last evaluated: 2023-01-01. Review status: criteria provided, single submitter. Criteria: ACMG Guidelines, 2015. Collection method: clinical testing. Allele origin: germline. Affected: yes.

Blueprint Genetics
Classification: Uncertain significance. Last evaluated: 2022-04-12. Review status: criteria provided, single submitter. Criteria: ACMG Guidelines, 2015. Collection method: clinical testing. Allele origin: germline.

Labcorp Genetics (formerly Invitae), Labcorp
Classification: Uncertain significance. Last evaluated: 2022-02-17. Review status: criteria provided, single submitter. Criteria: Invitae Variant Classification Sherloc (09022015). Collection method: clinical testing. Allele origin: germline.
Comment: This sequence change replaces glycine, which is neutral and non-polar, with arginine, which is basic and polar, at codon 795 of the CNGB3 protein (p.Gly795Arg). This variant is present in population databases (rs753083465, gnomAD 0.006%). This variant has not been reported in the literature in individuals affected with CNGB3-related conditions. ClinVar contains an entry for this variant (Variation ID: 554970). Advanced modeling of protein sequence and biophysical properties (such as structural, functional, and spatial information, amino acid conservation, physicochemical variation, residue mobility, and thermodynamic stability) performed at Invitae indicates that this missense variant is expected to disrupt CNGB3 protein function. In summary, the available evidence is currently insufficient to determine the role of this variant in disease. Therefore, it has been classified as a Variant of Uncertain Significance.

Natera, Inc.
Classification: Uncertain significance for Achromatopsia. Last evaluated: 2020-07-16. Review status: no assertion criteria provided. Collection method: clinical testing. Allele origin: germline. Not counted in ClinVar's aggregate classification.

Counsyl
Classification: Uncertain significance for Achromatopsia 3. Last evaluated: 2017-11-09. Review status: no assertion criteria provided. Collection method: clinical testing. Allele origin: unknown. Not counted in ClinVar's aggregate classification.

Literature cited by the submitters: PubMed 22264887 (cited by Institute of Human Genetics, Univ. Regensburg, Univ. Regensburg and Counsyl); PubMed 3196484 (cited by Institute of Human Genetics, Univ. Regensburg, Univ. Regensburg).

NM_019098.5(CNGB3):c.2383G>A (p.Gly795Arg)

Gene: CNGB3 (cyclic nucleotide gated channel subunit beta 3; minus strand). Cytogenetic location: 8q21.3.
Variant type: single nucleotide variant.
Coding change: c.2383G>A on transcript NM_019098.5 (MANE Select); coding-DNA position 2383, G replaced by A.
Protein change: p.Gly795Arg; replaces glycine 795 with arginine.
Molecular consequence: missense variant.
Genome position (GRCh38, 1-based): chr8:86,575,851, C>T on the plus strand (G>A on the coding strand, the complement: CNGB3 is on the minus strand). VCF-style: chr8-86575851-C-T. GRCh37 (hg19) VCF-style: chr8-87588079-C-T.
Other names: short protein forms G795R.
Identifiers: ClinVar variation 554970 (VCV000554970.8), dbSNP rs753083465, ClinGen allele CA4799736.